The following is an entry in ClinVar:

NM_001103146.3(GIGYF2):c.3673_3684del (p.Pro1225_Gln1228del)

Gene: GIGYF2 (GRB10 interacting GYF protein 2; plus strand). Cytogenetic location: 2q37.1.
Variant type: Deletion.
Coding change: c.3673_3684del on transcript NM_001103146.3 (MANE Select); coding-DNA positions 3673 to 3684, 12 bases deleted (CCACAACAGCAG).
Protein change: p.Pro1225_Gln1228del.
Molecular consequence: inframe deletion. On other transcripts: non-coding transcript variant (1).
Genome position (GRCh38, 1-based): chr2:232,847,560-232,847,571, CCACAACAGCAG deleted; deleting any 12 consecutive bases within chr2:232,847,553-232,847,571 gives the same sequence; the c. name uses the placement nearest the transcript's 3' end. VCF-style (leftmost placement, unchanged base first): chr2-232847552-CACAGCAGCCACA-C. GRCh37 (hg19) VCF-style: chr2-233712262-CACAGCAGCCACA-C.
Other names: p.Pro1225_Gln1228del; c.3736_3747del, p.Pro1246_Gln1249del (NM_001103147.2); c.3655_3666del, p.Pro1219_Gln1222del (NM_001103148.2); c.3673_3684del, p.Pro1225_Gln1228del (NM_015575.4); c.3673_3684del12 (NM_001103146.1); c.3673_3684del (NM_001103146.2).
Identifiers: ClinVar variation 2652015 (VCV002652015.26), dbSNP rs763368000, ClinGen allele CA2170953.

ClinVar aggregate classification (germline): Benign/Likely benign. Review status: criteria provided, multiple submitters, no conflicts (2 of 4 stars). 3 submissions from 3 submitters: Benign (1); Likely benign (1). 1 of the submissions does not count toward it. Last evaluated 2026-08-01.

Conditions:
GIGYF2-related disorder. Also called: GIGYF2-related condition.

Submissions (3):

CeGaT Center for Human Genetics Tuebingen
Classification: Likely benign. Last evaluated: 2026-08-01. Review status: criteria provided, single submitter. Criteria: CeGaT Center For Human Genetics Tuebingen Variant Classification Criteria Version 2. Collection method: clinical testing. Allele origin: germline. Affected: yes. Observed: 5 variant alleles.
Comment: GIGYF2: BS2

Mayo Clinic Laboratories, Mayo Clinic
Classification: Benign. Last evaluated: 2023-10-04. Review status: criteria provided, single submitter. Criteria: ACMG Guidelines, 2015. Collection method: clinical testing. Allele origin: germline. Observed: 15 variant alleles.
Comment: BS1, BS2

PreventionGenetics, part of Exact Sciences
Classification: Likely benign for GIGYF2-related condition. Last evaluated: 2022-09-22. Review status: no assertion criteria provided. Collection method: clinical testing. Allele origin: germline. Not counted in ClinVar's aggregate classification.
Comment: This variant is classified as likely benign based on ACMG/AMP sequence variant interpretation guidelines (Richards et al. 2015 PMID: 25741868, with internal and published modifications).